The following is an entry in ClinVar:

ClinVar aggregate classification (germline): Uncertain significance (1 of 4 stars; one submission).

gnomAD v4.1: 13 of 1,613,956 alleles (0.00081%); highest among the groups gnomAD compares: South Asian, 0.014%; no homozygotes.

Submission:

Labcorp Genetics (formerly Invitae), Labcorp
Classification: Uncertain significance. Last evaluated: 2024-08-14. Review status: criteria provided, single submitter. Criteria: Invitae Variant Classification Sherloc (09022015). Collection method: clinical testing. Allele origin: germline.
Comment: This sequence change replaces alanine, which is neutral and non-polar, with serine, which is neutral and polar, at codon 1074 of the DCHS1 protein (p.Ala1074Ser). This variant is present in population databases (rs757205104, gnomAD 0.02%). This variant has not been reported in the literature in individuals affected with DCHS1-related conditions. Invitae Evidence Modeling of protein sequence and biophysical properties (such as structural, functional, and spatial information, amino acid conservation, physicochemical variation, residue mobility, and thermodynamic stability) indicates that this missense variant is not expected to disrupt DCHS1 protein function with a negative predictive value of 80%. In summary, the available evidence is currently insufficient to determine the role of this variant in disease. Therefore, it has been classified as a Variant of Uncertain Significance.

NM_003737.4(DCHS1):c.3220G>T (p.Ala1074Ser)

Gene: DCHS1 (dachsous cadherin-related 1; minus strand). Cytogenetic location: 11p15.4.
Variant type: single nucleotide variant.
Coding change: c.3220G>T on transcript NM_003737.4 (MANE Select); coding-DNA position 3220, G replaced by T.
Protein change: p.Ala1074Ser; replaces alanine 1074 with serine.
Molecular consequence: missense variant.
Genome position (GRCh38, 1-based): chr11:6,632,292, C>A on the plus strand (G>T on the coding strand, the complement: DCHS1 is on the minus strand). VCF-style: chr11-6632292-C-A. GRCh37 (hg19) VCF-style: chr11-6653523-C-A.
Other names: short protein forms A1074S.
Identifiers: ClinVar variation 3662387 (VCV003662387.2).